The following is an entry in ClinVar:

ClinVar aggregate classification (germline): Likely benign (0 of 4 stars; one submission).

Conditions:
ARHGEF28-related disorder. Also called: ARHGEF28-related condition.

Allele frequency attached by ClinVar (database versions not stated): ExAC 0.00002; gnomAD exomes 0.00002; gnomAD 0.00003; TOPMed 0.00003; ESP Exome Variant Server 0.00008.
gnomAD v4.1: 29 of 1,613,898 alleles (0.0018%); highest among the groups gnomAD compares: African/African-American, 0.0053%; no homozygotes.

Submission:

PreventionGenetics, part of Exact Sciences
Classification: Likely benign for ARHGEF28-related condition. Last evaluated: 2021-04-07. Review status: no assertion criteria provided. Collection method: clinical testing. Allele origin: germline.
Comment: This variant is classified as likely benign based on ACMG/AMP sequence variant interpretation guidelines (Richards et al. 2015 PMID: 25741868, with internal and published modifications).

NM_001177693.2(ARHGEF28):c.2190C>T (p.Ser730=)

Gene: ARHGEF28 (Rho guanine nucleotide exchange factor 28; plus strand). Cytogenetic location: 5q13.2.
Variant type: single nucleotide variant.
Coding change: c.2190C>T on transcript NM_001177693.2 (MANE Select); coding-DNA position 2190, C replaced by T.
Protein change: p.Ser730=; no amino-acid change (serine 730 retained).
Molecular consequence: synonymous variant.
Genome position (GRCh38, 1-based): chr5:73,867,913, C>T. VCF-style: chr5-73867913-C-T. GRCh37 (hg19) VCF-style: chr5-73163738-C-T.
Other names: c.2190C>T, p.Ser730= (NM_001080479.3, NM_001388078.1); c.1251C>T, p.Ser417= (NM_001244364.2); c.1896C>T, p.Ser632= (NM_001388076.1).
Identifiers: ClinVar variation 3036466 (VCV003036466.2), dbSNP rs369841940, ClinGen allele CA3304806.